The following is an entry in ClinVar:

ClinVar aggregate classification (germline): Uncertain significance. Review status: criteria provided, multiple submitters, no conflicts (2 of 4 stars). 2 submissions from 2 submitters: Uncertain significance (2). Last evaluated 2025-09-01.

Conditions:
Hereditary cancer-predisposing syndrome. Also called: Neoplastic Syndromes, Hereditary; Tumor predisposition; Hereditary neoplastic syndrome; Hereditary Cancer Syndrome. Identifiers: Orphanet 140162, MedGen C0027672, MeSH D009386, MONDO:0015356.

Allele frequency attached by ClinVar (database versions not stated): gnomAD exomes below 0.00001; gnomAD 0.00001.
gnomAD v4.1: 2 of 1,614,016 alleles (0.00012%); highest among the groups gnomAD compares: Admixed American, 0.0033%; no homozygotes.

Submissions (2):

Ambry Genetics
Classification: Uncertain significance for Hereditary cancer-predisposing syndrome. Last evaluated: 2025-09-01. Review status: criteria provided, single submitter. Criteria: Ambry Variant Classification Scheme 2023. Collection method: clinical testing. Allele origin: germline.
Comment: The p.S1781G variant (also known as c.5341A>G), located in coding exon 39 of the POLE gene, results from an A to G substitution at nucleotide position 5341. The serine at codon 1781 is replaced by glycine, an amino acid with similar properties. This amino acid position is conserved. In addition, this alteration is predicted to be tolerated by in silico analysis. Since supporting evidence is limited at this time, the clinical significance of this alteration remains unclear.

Labcorp Genetics (formerly Invitae), Labcorp
Classification: Uncertain significance. Last evaluated: 2025-07-27. Review status: criteria provided, single submitter. Criteria: Invitae Variant Classification Sherloc (09022015). Collection method: clinical testing. Allele origin: germline.
Comment: This sequence change replaces serine, which is neutral and polar, with glycine, which is neutral and non-polar, at codon 1781 of the POLE protein (p.Ser1781Gly). This variant is present in population databases (no rsID available, gnomAD 0.003%). This variant has not been reported in the literature in individuals affected with POLE-related conditions. ClinVar contains an entry for this variant (Variation ID: 641646). Invitae Evidence Modeling of protein sequence and biophysical properties (such as structural, functional, and spatial information, amino acid conservation, physicochemical variation, residue mobility, and thermodynamic stability) indicates that this missense variant is not expected to disrupt POLE protein function with a negative predictive value of 80%. In summary, the available evidence is currently insufficient to determine the role of this variant in disease. Therefore, it has been classified as a Variant of Uncertain Significance.

NM_006231.4(POLE):c.5341A>G (p.Ser1781Gly)

Gene: POLE (DNA polymerase epsilon, catalytic subunit; minus strand). Cytogenetic location: 12q24.33.
Variant type: single nucleotide variant.
Coding change: c.5341A>G on transcript NM_006231.4 (MANE Select); coding-DNA position 5341, A replaced by G.
Protein change: p.Ser1781Gly; replaces serine 1781 with glycine.
Molecular consequence: missense variant.
Genome position (GRCh38, 1-based): chr12:132,641,684, T>C on the plus strand (A>G on the coding strand, the complement: POLE is on the minus strand). VCF-style: chr12-132641684-T-C. GRCh37 (hg19) VCF-style: chr12-133218270-T-C.
Other names: short protein forms S1781G.
Identifiers: ClinVar variation 641646 (VCV000641646.13), dbSNP rs1210128859, ClinGen allele CA387375842.